The following is an entry in ClinVar:

NM_004972.4(JAK2):c.2712C>A (p.Ser904=)

Genes: INSL6 (insulin like 6; minus strand), JAK2 (Janus kinase 2; plus strand). Cytogenetic location: 9p24.1.
Variant type: single nucleotide variant.
Coding change: c.2712C>A on transcript NM_004972.4 (MANE Select); coding-DNA position 2712, C replaced by A.
Protein change: p.Ser904=; no amino-acid change (serine 904 retained).
Molecular consequence: synonymous variant. On other transcripts: non-coding transcript variant (2).
Genome position (GRCh38, 1-based): chr9:5,089,814, C>A. VCF-style: chr9-5089814-C-A. GRCh37 (hg19) VCF-style: chr9-5089814-C-A.
Other names: c.2712C>A, p.Ser904= (NM_001322194.2, NM_001322195.2, NM_001322196.2); c.1497C>A, p.Ser499= (NM_001322198.2, NM_001322199.2); c.2265C>A, p.Ser755= (NM_001322204.2).
Identifiers: ClinVar variation 797867 (VCV000797867.11), dbSNP rs369951684, ClinGen allele CA4972227.

ClinVar aggregate classification (germline): Likely benign. Review status: criteria provided, multiple submitters, no conflicts (2 of 4 stars). 3 submissions from 3 submitters: Likely benign (2). 1 of the submissions does not count toward it. Last evaluated 2024-10-31.

Conditions:
JAK2-related disorder. Also called: JAK2-related condition.

Allele frequency attached by ClinVar (database versions not stated): ExAC 0.00003; gnomAD exomes 0.00003; gnomAD 0.00017 and 0.00020; TOPMed 0.00021; ESP Exome Variant Server 0.00023.
gnomAD v4.1: 45 of 1,593,064 alleles (0.0028%); highest among the groups gnomAD compares: African/African-American, 0.056%; no homozygotes.

Submissions (3):

Blueprint Genetics
Classification: Likely benign. Last evaluated: 2024-10-31. Review status: criteria provided, single submitter. Criteria: ACMG Guidelines, 2015. Collection method: clinical testing. Allele origin: germline.

Labcorp Genetics (formerly Invitae), Labcorp
Classification: Likely benign. Last evaluated: 2024-07-27. Review status: criteria provided, single submitter. Criteria: Invitae Variant Classification Sherloc (09022015). Collection method: clinical testing. Allele origin: germline.

PreventionGenetics, part of Exact Sciences
Classification: Likely benign for JAK2-related condition. Last evaluated: 2019-03-22. Review status: no assertion criteria provided. Collection method: clinical testing. Allele origin: germline. Not counted in ClinVar's aggregate classification.
Comment: This variant is classified as likely benign based on ACMG/AMP sequence variant interpretation guidelines (Richards et al. 2015 PMID: 25741868, with internal and published modifications).